The following is an entry in ClinVar:

ClinVar aggregate classification (germline): Benign/Likely benign. Review status: criteria provided, multiple submitters, no conflicts (2 of 4 stars). 3 submissions from 3 submitters: Benign (1); Likely benign (2). Last evaluated 2024-12-24.

Conditions:
Multiple endocrine neoplasia, type 1 (MEN1). Also called: MEN I; WERMER SYNDROME; Endocrine adenomatosis multiple; MEN 1; MEA I. Identifiers: Orphanet 652, MedGen C0025267, MeSH D018761, MONDO:0007540, OMIM 131100.
Hereditary cancer-predisposing syndrome. Also called: Hereditary Cancer Syndrome; Tumor predisposition; Hereditary neoplastic syndrome; Neoplastic Syndromes, Hereditary. Identifiers: Orphanet 140162, MedGen C0027672, MeSH D009386, MONDO:0015356.

Allele frequency attached by ClinVar (database versions not stated): gnomAD exomes below 0.00001.
gnomAD v4.1: 2 of 1,610,148 alleles (0.00012%); highest among the groups gnomAD compares: Admixed American, 0.0017%; no homozygotes.

Submissions (3):

Ambry Genetics
Classification: Likely benign for Hereditary cancer-predisposing syndrome. Last evaluated: 2024-12-24. Review status: criteria provided, single submitter. Criteria: Ambry Variant Classification Scheme 2023. Collection method: clinical testing. Allele origin: germline.

Myriad Genetics, Inc.
Classification: Benign for Multiple endocrine neoplasia, type 1. Last evaluated: 2024-11-01. Review status: criteria provided, single submitter. Criteria: Myriad Autosomal Dominant, Autosomal Recessive and X-Linked Classification Criteria (2023). Collection method: clinical testing. Allele origin: unknown.
Comment: This variant is considered benign. This variant is a silent/synonymous amino acid change and it is not expected to impact splicing.

Labcorp Genetics (formerly Invitae), Labcorp
Classification: Likely benign for Multiple endocrine neoplasia, type 1. Last evaluated: 2024-01-17. Review status: criteria provided, single submitter. Criteria: Invitae Variant Classification Sherloc (09022015). Collection method: clinical testing. Allele origin: germline.

NM_001370259.2(MEN1):c.450C>T (p.Thr150=)

Gene: MEN1 (menin 1; minus strand). Cytogenetic location: 11q13.1.
Variant type: single nucleotide variant.
Coding change: c.450C>T on transcript NM_001370259.2 (MANE Select); coding-DNA position 450, C replaced by T.
Protein change: p.Thr150=; no amino-acid change (threonine 150 retained).
Molecular consequence: synonymous variant. On other transcripts: non-coding transcript variant (4).
Genome position (GRCh38, 1-based): chr11:64,808,095, G>A on the plus strand (C>T on the coding strand, the complement: MEN1 is on the minus strand). VCF-style: chr11-64808095-G-A. GRCh37 (hg19) VCF-style: chr11-64575567-G-A.
Other names: c.465C>T, p.Thr155= (NM_000244.4, NM_001407145.1, NM_130804.3 and 5 more transcripts); c.450C>T, p.Thr150= (NM_001370251.2, NM_001370260.2, NM_001370261.2 and 12 more transcripts).
Identifiers: ClinVar variation 3017765 (VCV003017765.5), dbSNP rs1425022697, ClinGen allele CA475163251.
Genomic context (GRCh38, chr11:64,808,095, plus strand): 5'-GAGACCCAGGGCCTGGCAGGCCCCAACCACAGCAAAGGCCACACCGGAGCTGTCCAATTT[G>A]GTGCCTGTGGAAGGGGGAGGTAATGAAAGAGGGTCCTCTGTGCTTTAACATGGGGAAAGG-3'
Protein context (NP_001357188.2, residues 140-160): IQSLFSFITG[Thr150=]KLDSSGVAFA